The following is an entry in ClinVar:

NC_000014.8:g.(?_88431839)_(88434844_?)del

Gene: GALC (galactosylceramidase; minus strand). Cytogenetic location: 14q31.3.
Variant type: Deletion.
Identifiers: ClinVar variation 2422479 (VCV002422479.2).

ClinVar aggregate classification (germline): Pathogenic (1 of 4 stars; one submission).

Conditions:
Galactosylceramide beta-galactosidase deficiency. Also called: Leukodystrophy, Globoid Cell; Krabbe Disease; GALACTOCEREBROSIDASE DEFICIENCY; GALC DEFICIENCY; GLOBOID CELL LEUKOENCEPHALOPATHY. Identifiers: Orphanet 487, MedGen C0023521, MONDO:0009499, OMIM 245200.

Submission:

Labcorp Genetics (formerly Invitae), Labcorp
Classification: Pathogenic for Galactosylceramide beta-galactosidase deficiency. Last evaluated: 2022-02-08. Review status: criteria provided, single submitter. Criteria: Invitae Variant Classification Sherloc (09022015). Collection method: clinical testing. Allele origin: germline.
Comment: This variant is a gross deletion of the genomic region encompassing exon(s) 8-9 of the GALC gene. This deletion is out-of-frame, and is expected to create a premature termination codon and result in an absent or disrupted protein product. Loss-of-function variants in GALC are known to be pathogenic (PMID: 7437911, 9272171, 16607461). A similar copy number variant has been observed in individual(s) with Krabbe disease (PMID: 32089546). For these reasons, this variant has been classified as Pathogenic.

Literature cited by the submitters: PubMed 7437911; PubMed 9272171; PubMed 16607461; PubMed 32089546.